The following is an entry in ClinVar:

ClinVar aggregate classification (germline): Uncertain significance (1 of 4 stars; one submission).

Submission:

Labcorp Genetics (formerly Invitae), Labcorp
Classification: Uncertain significance. Last evaluated: 2022-07-24. Review status: criteria provided, single submitter. Criteria: Invitae Variant Classification Sherloc (09022015). Collection method: clinical testing. Allele origin: germline.
Comment: This variant has not been reported in the literature in individuals affected with MYH9-related conditions. This variant is not present in population databases (gnomAD no frequency). This sequence change replaces aspartic acid, which is acidic and polar, with glutamic acid, which is acidic and polar, at codon 1902 of the MYH9 protein (p.Asp1902Glu). In summary, the available evidence is currently insufficient to determine the role of this variant in disease. Therefore, it has been classified as a Variant of Uncertain Significance. Algorithms developed to predict the effect of missense changes on protein structure and function (SIFT, PolyPhen-2, Align-GVGD) all suggest that this variant is likely to be tolerated.

NM_002473.6(MYH9):c.5706C>G (p.Asp1902Glu)

Gene: MYH9 (myosin heavy chain 9; minus strand). Cytogenetic location: 22q12.3.
Variant type: single nucleotide variant.
Coding change: c.5706C>G on transcript NM_002473.6 (MANE Select); coding-DNA position 5706, C replaced by G.
Protein change: p.Asp1902Glu; replaces aspartic acid 1902 with glutamic acid.
Molecular consequence: missense variant.
Genome position (GRCh38, 1-based): chr22:36,284,152, G>C on the plus strand (C>G on the coding strand, the complement: MYH9 is on the minus strand). VCF-style: chr22-36284152-G-C. GRCh37 (hg19) VCF-style: chr22-36680198-G-C.
Other names: short protein forms D1902E.
Identifiers: ClinVar variation 1968954 (VCV001968954.5), dbSNP rs752993016, ClinGen allele CA411372539.